The following is an entry in ClinVar:

ClinVar aggregate classification (germline): Uncertain significance (1 of 4 stars; one submission).

Conditions:
Bardet-Biedl syndrome (BBS). Identifiers: Orphanet 110, MedGen C0752166, MONDO:0015229.

Allele frequency attached by ClinVar (database versions not stated): gnomAD exomes below 0.00001.
gnomAD v4.1: 3 of 1,612,586 alleles (0.00019%); highest among the groups gnomAD compares: Non-Finnish European, 0.00025%; no homozygotes.

Submission:

Labcorp Genetics (formerly Invitae), Labcorp
Classification: Uncertain significance for Bardet-Biedl syndrome. Last evaluated: 2021-05-07. Review status: criteria provided, single submitter. Criteria: Invitae Variant Classification Sherloc (09022015). Collection method: clinical testing. Allele origin: germline.
Comment: This sequence change replaces lysine with glutamic acid at codon 105 of the WDPCP protein (p.Lys105Glu). The lysine residue is highly conserved and there is a small physicochemical difference between lysine and glutamic acid. This variant is not present in population databases (ExAC no frequency). This variant has not been reported in the literature in individuals with WDPCP-related conditions. Algorithms developed to predict the effect of missense changes on protein structure and function are either unavailable or do not agree on the potential impact of this missense change (SIFT: "Deleterious"; PolyPhen-2: "Possibly Damaging"; Align-GVGD: "Class C0"). In summary, the available evidence is currently insufficient to determine the role of this variant in disease. Therefore, it has been classified as a Variant of Uncertain Significance.

NM_015910.7(WDPCP):c.313A>G (p.Lys105Glu)

Gene: WDPCP (WD repeat containing planar cell polarity effector; minus strand). Cytogenetic location: 2p15.
Variant type: single nucleotide variant.
Coding change: c.313A>G on transcript NM_015910.7 (MANE Select); coding-DNA position 313, A replaced by G.
Protein change: p.Lys105Glu; replaces lysine 105 with glutamic acid.
Molecular consequence: missense variant. On other transcripts: non-coding transcript variant (2).
Genome position (GRCh38, 1-based): chr2:63,484,928, T>C on the plus strand (A>G on the coding strand, the complement: WDPCP is on the minus strand). VCF-style: chr2-63484928-T-C. GRCh37 (hg19) VCF-style: chr2-63712062-T-C.
Other names: c.241A>G, p.Lys81Glu (NM_001354044.2); c.313A>G, p.Lys105Glu (NM_001354045.2); short protein forms K81E, K105E.
Identifiers: ClinVar variation 1491604 (VCV001491604.8), dbSNP rs2105907063, ClinGen allele CA347065936.